The following is an entry in ClinVar:

ClinVar aggregate classification (germline): Uncertain significance. Review status: criteria provided, multiple submitters, no conflicts (2 of 4 stars). 7 submissions from 7 submitters: Uncertain significance (7). Last evaluated 2025-10-23.

Conditions:
Familial ovarian cancer. Identifiers: MedGen C5679802, MONDO:0016248.
Hereditary cancer-predisposing syndrome. Also called: Hereditary Cancer Syndrome; Hereditary neoplastic syndrome; Tumor predisposition; Neoplastic Syndromes, Hereditary. Identifiers: Orphanet 140162, MedGen C0027672, MeSH D009386, MONDO:0015356.
Breast-ovarian cancer, familial, susceptibility to, 4. Identifiers: Orphanet 145, MedGen C3280345, MONDO:0013669, OMIM 614291.

Allele frequency attached by ClinVar (database versions not stated): gnomAD exomes 0.00002 and 0.00001; ExAC 0.00003.
gnomAD v4.1: 18 of 1,557,166 alleles (0.0012%); highest among the groups gnomAD compares: South Asian, 0.0033%; 1 homozygote.

Submissions (7):

Labcorp Genetics (formerly Invitae), Labcorp
Classification: Uncertain significance for Breast-ovarian cancer, familial, susceptibility to, 4. Last evaluated: 2025-10-23. Review status: criteria provided, single submitter. Criteria: Invitae Variant Classification Sherloc (09022015). Collection method: clinical testing. Allele origin: germline.
Comment: This sequence change replaces glycine, which is neutral and non-polar, with serine, which is neutral and polar, at codon 112 of the RAD51D protein (p.Gly112Ser). This variant is present in population databases (rs753856224, gnomAD 0.005%). This variant has not been reported in the literature in individuals affected with RAD51D-related conditions. ClinVar contains an entry for this variant (Variation ID: 627674). Invitae Evidence Modeling of protein sequence and biophysical properties (such as structural, functional, and spatial information, amino acid conservation, physicochemical variation, residue mobility, and thermodynamic stability) has been performed for this missense variant. However, the output from this modeling did not meet the statistical confidence thresholds required to predict the impact of this variant on RAD51D protein function. In summary, the available evidence is currently insufficient to determine the role of this variant in disease. Therefore, it has been classified as a Variant of Uncertain Significance.

Ambry Genetics
Classification: Uncertain significance for Hereditary cancer-predisposing syndrome. Last evaluated: 2025-05-21. Review status: criteria provided, single submitter. Criteria: Ambry Variant Classification Scheme 2023. Collection method: clinical testing. Allele origin: germline.
Comment: The p.G112S variant (also known as c.334G>A), located in coding exon 4 of the RAD51D gene, results from a G to A substitution at nucleotide position 334. The glycine at codon 112 is replaced by serine, an amino acid with similar properties. This variant was identified in a cohort of 3,579 African males diagnosed with prostate cancer who underwent multi-gene panel testing of 19 DNA repair and cancer predisposition genes (Matejcic M et al. JCO Precis Oncol, 2020 Jan;4:32-43). This amino acid position is highly conserved in available vertebrate species. In addition, this alteration is predicted to be deleterious by in silico analysis. Based on the available evidence, the clinical significance of this variant remains unclear.

Center for Genomic Medicine, Rigshospitalet, Copenhagen University Hospital
Classification: Uncertain significance. Last evaluated: 2025-03-04. Review status: criteria provided, single submitter. Criteria: ACMG Guidelines, 2015. Collection method: clinical testing. Allele origin: germline.

Molecular Pathology, Peter Maccallum Cancer Centre
Classification: Uncertain significance for Familial ovarian cancer. Last evaluated: 2024-05-10. Review status: criteria provided, single submitter. Criteria: ACMG Guidelines, 2015. Collection method: clinical testing. Allele origin: germline. Inheritance: Autosomal dominant inheritance.

Color Diagnostics, LLC DBA Color Health
Classification: Uncertain significance for Hereditary cancer-predisposing syndrome. Last evaluated: 2024-05-02. Review status: criteria provided, single submitter. Criteria: ACMG Guidelines, 2015. Collection method: clinical testing. Allele origin: germline.
Comment: This missense variant replaces glycine with serine at codon 112 of the RAD51D protein. Computational prediction suggests that this variant may have deleterious impact on protein structure and function. To our knowledge, functional studies have not been reported for this variant. This variant has not been reported in individuals affected with hereditary cancer in the literature. This variant has been identified in 6/251256 chromosomes in the general population by the Genome Aggregation Database (gnomAD). The available evidence is insufficient to determine the role of this variant in disease conclusively. Therefore, this variant is classified as a Variant of Uncertain Significance.

Baylor Genetics
Classification: Uncertain significance for Breast-ovarian cancer, familial, susceptibility to, 4. Last evaluated: 2023-10-26. Review status: criteria provided, single submitter. Criteria: ACMG Guidelines, 2015. Collection method: clinical testing. Allele origin: unknown.

GeneDx
Classification: Uncertain significance. Last evaluated: 2023-09-25. Review status: criteria provided, single submitter. Criteria: GeneDx Variant Classification Process June 2021. Collection method: clinical testing. Allele origin: germline.
Comment: In silico analysis supports that this missense variant has a deleterious effect on protein structure/function; Also known as c.394G>A; p.G132S; This variant is associated with the following publications: (PMID: 32832836, 26689913, 14704354, 21111057)

Literature cited by the submitters: PubMed 32832836 (cited by Ambry Genetics).

NM_002878.4(RAD51D):c.334G>A (p.Gly112Ser)

Genes: RAD51D (RAD51 paralog D; minus strand), RAD51L3-RFFL (RAD51L3-RFFL readthrough; minus strand). Cytogenetic location: 17q12.
Variant type: single nucleotide variant.
Coding change: c.334G>A on transcript NM_002878.4 (MANE Select); coding-DNA position 334, G replaced by A.
Protein change: p.Gly112Ser; replaces glycine 112 with serine.
Molecular consequence: missense variant. On other transcripts: non-coding transcript variant (2), intron variant (1).
Genome position (GRCh38, 1-based): chr17:35,107,377, C>T on the plus strand (G>A on the coding strand, the complement: RAD51D is on the minus strand). VCF-style: chr17-35107377-C-T. GRCh37 (hg19) VCF-style: chr17-33434396-C-T.
Other names: c.394G>A, p.Gly132Ser (NM_001142571.2); c.145-896G>A (NM_133629.3); short protein forms G112S, G132S.
Identifiers: ClinVar variation 627674 (VCV000627674.23), dbSNP rs753856224, ClinGen allele CA8499511.